The following is an entry in ClinVar:

NM_153816.6(SNX14):c.303T>A (p.Cys101Ter)

Gene: SNX14 (sorting nexin 14; minus strand). Cytogenetic location: 6q14.3.
Variant type: single nucleotide variant.
Coding change: c.303T>A on transcript NM_153816.6 (MANE Select); coding-DNA position 303, T replaced by A.
Protein change: p.Cys101Ter; replaces cysteine 101 with a stop codon.
Molecular consequence: nonsense. On other transcripts: 5 prime UTR variant (9), non-coding transcript variant (6).
Genome position (GRCh38, 1-based): chr6:85,572,333, A>T on the plus strand (T>A on the coding strand, the complement: SNX14 is on the minus strand). VCF-style: chr6-85572333-A-T. GRCh37 (hg19) VCF-style: chr6-86282051-A-T.
Other names: c.303T>A, p.Cys101Ter (NM_001297614.3, NM_001350536.2, NM_001350538.2 and 3 more transcripts); c.147T>A, p.Cys49Ter (NM_001304479.2, NM_001350542.2, NM_001350544.2); c.366T>A, p.Cys122Ter (NM_001350532.2); c.300T>A, p.Cys100Ter (NM_001350533.2, NM_001350534.2, NM_001350535.2 and 1 more transcripts); c.144T>A, p.Cys48Ter (NM_001350539.2, NM_001350543.2); c.-98T>A (NM_001350545.2, NM_001350546.2); c.-663T>A (NM_001350547.2); c.-717T>A (NM_001350548.2); and 3 more; short protein forms C101*, C122*, C100*, C48*, C49*.
Identifiers: ClinVar variation 635072 (VCV000635072.1), dbSNP rs1562374476, ClinGen allele CA364903032.

ClinVar aggregate classification (germline): Likely pathogenic (1 of 4 stars; one submission).

Conditions:
Autosomal recessive spinocerebellar ataxia 20. Identifiers: Orphanet 397709, MedGen C5190595, MONDO:0014601, OMIM 616354.

Submission:

Broad Center for Mendelian Genomics, Broad Institute of MIT and Harvard
Classification: Likely pathogenic for Autosomal recessive spinocerebellar ataxia 20. Last evaluated: 2018-06-15. Review status: criteria provided, single submitter. Criteria: ACMG Guidelines, 2015. Collection method: research. Allele origin: germline. Inheritance: Autosomal recessive inheritance. Affected: yes.
Comment: This variant was absent from large population studies and computational prediction tools suggest that this variant may impact the protein. Loss of function of the SNX14 gene is an established disease mechanism in autosomal recessive spinocerebellar ataxia, and this is a loss of function variant (Akizu 2015; PMID: 25848753). In summary, although additional studies are required to fully establish its pathogenicity, this variant is likely pathogenic.